The following is an entry in ClinVar:

ClinVar aggregate classification (germline): Likely benign (1 of 4 stars; one submission).

Allele frequency attached by ClinVar (database versions not stated): gnomAD 0.00005; ExAC 0.00006; ESP Exome Variant Server 0.00031.
gnomAD v4.1: 85 of 1,614,158 alleles (0.0053%); highest among the groups gnomAD compares: Non-Finnish European, 0.0045%; no homozygotes.

Submission:

CeGaT Center for Human Genetics Tuebingen
Classification: Likely benign. Last evaluated: 2022-09-01. Review status: criteria provided, single submitter. Criteria: CeGaT Center For Human Genetics Tuebingen Variant Classification Criteria Version 2. Collection method: clinical testing. Allele origin: germline. Affected: yes. Observed: 1 variant allele.
Comment: OR9G1: BP4, BP7

NM_001005213.2(OR9G1):c.423A>G (p.Ala141=)

Gene: OR9G1 (olfactory receptor family 9 subfamily G member 1; plus strand). Cytogenetic location: 11q12.1.
Variant type: single nucleotide variant.
Coding change: c.423A>G on transcript NM_001005213.2 (MANE Select); coding-DNA position 423, A replaced by G.
Protein change: p.Ala141=; no amino-acid change (alanine 141 retained).
Molecular consequence: synonymous variant.
Genome position (GRCh38, 1-based): chr11:56,700,810, A>G. VCF-style: chr11-56700810-A-G. GRCh37 (hg19) VCF-style: chr11-56468286-A-G.
Identifiers: ClinVar variation 2641790 (VCV002641790.24), dbSNP rs374491176, ClinGen allele CA6001554.
Genomic context (GRCh38, chr11:56,700,810, plus strand): 5'-CTACGTGGCCATCTCCAAGCCCCTGCTTTATGCCCAGGCCATGTCCATAAAGCTGTGTGC[A>G]TTGCTGGTAGCAGTCTCATATTGTGGTGGCTTTATTAACTCTTCAATCATCACCAAGAAA-3'
Protein context (NP_001005213.1, residues 131-151): YAQAMSIKLC[Ala141=]LLVAVSYCGG